The following is an entry in ClinVar:

NM_006757.4(TNNT3):c.40G>C (p.Glu14Gln)

Gene: TNNT3 (troponin T3, fast skeletal type; plus strand). Cytogenetic location: 11p15.5.
Variant type: single nucleotide variant.
Coding change: c.40G>C on transcript NM_006757.4 (MANE Select); coding-DNA position 40, G replaced by C.
Protein change: p.Glu14Gln; replaces glutamic acid 14 with glutamine.
Molecular consequence: missense variant. On other transcripts: intron variant (3).
Genome position (GRCh38, 1-based): chr11:1,923,563, G>C. VCF-style: chr11-1923563-G-C. GRCh37 (hg19) VCF-style: chr11-1944793-G-C.
Other names: c.-99+672G>C (NM_001367851.1); c.31+502G>C (NM_001367849.1); c.-117+672G>C (NM_001367852.1); c.40G>C, p.Glu14Gln (NM_001042780.3, NM_001042781.3, NM_001042782.3 and 10 more transcripts); short protein forms E14Q.
Identifiers: ClinVar variation 3627340 (VCV003627340.2).

ClinVar aggregate classification (germline): Uncertain significance (1 of 4 stars; one submission).

gnomAD v4.1: 72 of 1,613,354 alleles (0.0045%); highest among the groups gnomAD compares: Non-Finnish European, 0.0058%; no homozygotes.

Submission:

Labcorp Genetics (formerly Invitae), Labcorp
Classification: Uncertain significance. Last evaluated: 2024-04-30. Review status: criteria provided, single submitter. Criteria: Invitae Variant Classification Sherloc (09022015). Collection method: clinical testing. Allele origin: germline.
Comment: This sequence change replaces glutamic acid, which is acidic and polar, with glutamine, which is neutral and polar, at codon 14 of the TNNT3 protein (p.Glu14Gln). This variant is present in population databases (rs768888979, gnomAD 0.002%). This variant has not been reported in the literature in individuals affected with TNNT3-related conditions. Experimental studies and prediction algorithms are not available or were not evaluated, and the functional significance of this variant is currently unknown. In summary, the available evidence is currently insufficient to determine the role of this variant in disease. Therefore, it has been classified as a Variant of Uncertain Significance.